The following is an entry in ClinVar:

NM_000094.4(COL7A1):c.6109G>A (p.Gly2037Arg)

Gene: COL7A1 (collagen type VII alpha 1 chain; minus strand). Cytogenetic location: 3p21.31.
Variant type: single nucleotide variant.
Coding change: c.6109G>A on transcript NM_000094.4 (MANE Select); coding-DNA position 6109, G replaced by A.
Protein change: p.Gly2037Arg; replaces glycine 2037 with arginine.
Molecular consequence: missense variant.
Genome position (GRCh38, 1-based): chr3:48,575,410, C>T on the plus strand (G>A on the coding strand, the complement: COL7A1 is on the minus strand). VCF-style: chr3-48575410-C-T. GRCh37 (hg19) VCF-style: chr3-48612843-C-T.
Other names: short protein forms G2037R.
Identifiers: ClinVar variation 379455 (VCV000379455.6), dbSNP rs1057520599, ClinGen allele CA16604480.

ClinVar aggregate classification (germline): Pathogenic. Review status: criteria provided, multiple submitters, no conflicts (2 of 4 stars). 2 submissions from 2 submitters: Pathogenic (2). Last evaluated 2023-06-13.

Submissions (2):

Labcorp Genetics (formerly Invitae), Labcorp
Classification: Pathogenic. Last evaluated: 2023-06-13. Review status: criteria provided, single submitter. Criteria: Invitae Variant Classification Sherloc (09022015). Collection method: clinical testing. Allele origin: germline.
Comment: This sequence change replaces glycine, which is neutral and non-polar, with arginine, which is basic and polar, at codon 2037 of the COL7A1 protein (p.Gly2037Arg). This variant is not present in population databases (gnomAD no frequency). This missense change has been observed in individual(s) with autosomal dominant dystrophic epidermolysis bullosa (PMID: 16923137, 28164892). In at least one individual the variant was observed to be de novo. ClinVar contains an entry for this variant (Variation ID: 379455). Advanced modeling of protein sequence and biophysical properties (such as structural, functional, and spatial information, amino acid conservation, physicochemical variation, residue mobility, and thermodynamic stability) performed at Invitae indicates that this missense variant is expected to disrupt COL7A1 protein function. This variant disrupts the triple helix domain of COL7A1. Glycine residues within the Gly-Xaa-Yaa repeats of the triple helix domain are required for the structure and stability of fibrillar collagens (PMID: 7695699, 8218237, 19344236), and variants at these glycine residues in COL7A1 are more frequently observed in individuals with disease than in the general population (PMID: 22058051). However, the clinical significance of this observation remains uncertain since only a limited number of affected individuals have been described to date. For these reasons, this variant has been classified as Pathogenic.

GeneDx
Classification: Pathogenic. Last evaluated: 2021-04-28. Review status: criteria provided, single submitter. Criteria: GeneDx Variant Classification Process June 2021. Collection method: clinical testing. Allele origin: germline. Affected: yes.
Comment: Located in the highly conserved Gly-X-Y repeat of the collagenous domain; Glycine substitution variants in this region of the COLVII protein destabilize the collagen triple helix resulting in skin fragility due to poor anchoring of the basement membrane to the underlying dermis (Pfendner and Lucky, 2018); Not observed in large population cohorts (Lek et al., 2016); In silico analysis supports that this missense variant has a deleterious effect on protein structure/function; This variant is associated with the following publications: (PMID: 21448560, 16923137, 28164892)

Literature cited by the submitters: PubMed 16923137 (cited by Labcorp Genetics (formerly Invitae), Labcorp); PubMed 28164892 (cited by Labcorp Genetics (formerly Invitae), Labcorp); PubMed 7695699 (cited by Labcorp Genetics (formerly Invitae), Labcorp); PubMed 8218237 (cited by Labcorp Genetics (formerly Invitae), Labcorp); PubMed 19344236 (cited by Labcorp Genetics (formerly Invitae), Labcorp); PubMed 22058051 (cited by Labcorp Genetics (formerly Invitae), Labcorp).